The following is an entry in ClinVar:

ClinVar aggregate classification (germline): Uncertain significance (1 of 4 stars; one submission).

gnomAD v4.1: 2 of 1,614,128 alleles (0.00012%); highest among the groups gnomAD compares: Non-Finnish European, 0.00017%; no homozygotes.

Submission:

Labcorp Genetics (formerly Invitae), Labcorp
Classification: Uncertain significance. Last evaluated: 2022-08-15. Review status: criteria provided, single submitter. Criteria: Invitae Variant Classification Sherloc (09022015). Collection method: clinical testing. Allele origin: germline.
Comment: This variant is not present in population databases (gnomAD no frequency). This sequence change replaces arginine, which is basic and polar, with glycine, which is neutral and non-polar, at codon 1510 of the DUOX2 protein (p.Arg1510Gly). This variant has not been reported in the literature in individuals affected with DUOX2-related conditions. Advanced modeling of protein sequence and biophysical properties (such as structural, functional, and spatial information, amino acid conservation, physicochemical variation, residue mobility, and thermodynamic stability) performed at Invitae indicates that this missense variant is not expected to disrupt DUOX2 protein function. In summary, the available evidence is currently insufficient to determine the role of this variant in disease. Therefore, it has been classified as a Variant of Uncertain Significance.

NM_001363711.2(DUOX2):c.4528C>G (p.Arg1510Gly)

Gene: DUOX2 (dual oxidase 2; minus strand). Cytogenetic location: 15q21.1.
Variant type: single nucleotide variant.
Coding change: c.4528C>G on transcript NM_001363711.2 (MANE Select); coding-DNA position 4528, C replaced by G.
Protein change: p.Arg1510Gly; replaces arginine 1510 with glycine.
Molecular consequence: missense variant.
Genome position (GRCh38, 1-based): chr15:45,094,269, G>C on the plus strand (C>G on the coding strand, the complement: DUOX2 is on the minus strand). VCF-style: chr15-45094269-G-C. GRCh37 (hg19) VCF-style: chr15-45386467-G-C.
Other names: c.4528C>G, p.Arg1510Gly (NM_014080.5); short protein forms R1510G.
Identifiers: ClinVar variation 1972589 (VCV001972589.5), dbSNP rs147791097, ClinGen allele CA392249558.